The following is an entry in ClinVar:

ClinVar aggregate classification (germline): Uncertain significance (1 of 4 stars; one submission).

Conditions:
Inborn genetic diseases. Identifiers: MedGen C0950123, MeSH D030342.

Submission:

Ambry Genetics
Classification: Uncertain significance for Inborn genetic diseases. Last evaluated: 2022-11-15. Review status: criteria provided, single submitter. Criteria: Ambry Variant Classification Scheme 2023. Collection method: clinical testing. Allele origin: germline.
Comment: The p.A124S variant (also known as c.370G>T), located in coding exon 2 of the ACD gene, results from a G to T substitution at nucleotide position 370. The alanine at codon 124 is replaced by serine, an amino acid with similar properties. This amino acid position is conserved. In addition, this alteration is predicted to be tolerated by in silico analysis. Since supporting evidence is limited at this time, the clinical significance of this alteration remains unclear.

NM_001082486.2(ACD):c.112G>T (p.Ala38Ser)

Gene: ACD (ACD shelterin complex subunit and telomerase recruitment factor; minus strand). Cytogenetic location: 16q22.1.
Variant type: single nucleotide variant.
Coding change: c.112G>T on transcript NM_001082486.2 (MANE Select); coding-DNA position 112, G replaced by T.
Protein change: p.Ala38Ser; replaces alanine 38 with serine.
Molecular consequence: missense variant.
Genome position (GRCh38, 1-based): chr16:67,660,033, C>A on the plus strand (G>T on the coding strand, the complement: ACD is on the minus strand). VCF-style: chr16-67660033-C-A. GRCh37 (hg19) VCF-style: chr16-67693936-C-A.
Other names: c.112G>T, p.Ala38Ser (NM_001410884.1); c.103G>T, p.Ala35Ser (NM_022914.3); short protein forms A38S, A35S.
Identifiers: ClinVar variation 2480704 (VCV002480704.2), dbSNP rs2543610728, ClinGen allele CA396357993.